The following is an entry in ClinVar:

ClinVar aggregate classification (germline): Uncertain significance (1 of 4 stars; one submission).

Allele frequency attached by ClinVar (database versions not stated): gnomAD 0.00001; TOPMed 0.00001.
gnomAD v4.1: 1 of 1,613,702 alleles (0.000062%); highest among the groups gnomAD compares: Non-Finnish European, 0.000085%; no homozygotes.

Submission:

Labcorp Genetics (formerly Invitae), Labcorp
Classification: Uncertain significance. Last evaluated: 2023-02-24. Review status: criteria provided, single submitter. Criteria: Invitae Variant Classification Sherloc (09022015). Collection method: clinical testing. Allele origin: germline.
Comment: This variant has not been reported in the literature in individuals affected with BCAT2-related conditions. This variant is not present in population databases (gnomAD no frequency). This sequence change replaces glycine, which is neutral and non-polar, with serine, which is neutral and polar, at codon 337 of the BCAT2 protein (p.Gly337Ser). Advanced modeling of protein sequence and biophysical properties (such as structural, functional, and spatial information, amino acid conservation, physicochemical variation, residue mobility, and thermodynamic stability) has been performed at Invitae for this missense variant, however the output from this modeling did not meet the statistical confidence thresholds required to predict the impact of this variant on BCAT2 protein function. In summary, the available evidence is currently insufficient to determine the role of this variant in disease. Therefore, it has been classified as a Variant of Uncertain Significance.

NM_001190.4(BCAT2):c.1009G>A (p.Gly337Ser)

Gene: BCAT2 (branched chain amino acid transaminase 2; minus strand). Cytogenetic location: 19q13.33.
Variant type: single nucleotide variant.
Coding change: c.1009G>A on transcript NM_001190.4 (MANE Select); coding-DNA position 1009, G replaced by A.
Protein change: p.Gly337Ser; replaces glycine 337 with serine.
Molecular consequence: missense variant.
Genome position (GRCh38, 1-based): chr19:48,796,634, C>T on the plus strand (G>A on the coding strand, the complement: BCAT2 is on the minus strand). VCF-style: chr19-48796634-C-T. GRCh37 (hg19) VCF-style: chr19-49299891-C-T.
Other names: c.733G>A, p.Gly245Ser (NM_001164773.2); c.889G>A, p.Gly297Ser (NM_001284325.2); short protein forms G245S, G337S, G297S.
Identifiers: ClinVar variation 2893993 (VCV002893993.3), dbSNP rs1396826790, ClinGen allele CA406720400.